The following is an entry in ClinVar:

ClinVar aggregate classification (germline): Uncertain significance. Review status: criteria provided, single submitter (1 of 4 stars). 2 submissions from 2 submitters: Uncertain significance (1). 1 of the submissions does not count toward it. Last evaluated 2025-07-15.

Conditions:
Hyperkalemic periodic paralysis. Also called: Familial hyperkalemic periodic paralysis; Gamstorp disease. Identifiers: Orphanet 682, MedGen C0238357, MONDO:0008224, OMIM 170500, HP:0007215.
Tremor, hereditary essential, 6. Identifiers: MedGen C5394329, MONDO:0030027, OMIM 618866.

Allele frequency attached by ClinVar (database versions not stated): gnomAD exomes below 0.00001 and 0.00001; gnomAD 0.00001; ExAC 0.00002; TOPMed 0.00002.

Submissions (2):

Labcorp Genetics (formerly Invitae), Labcorp
Classification: Uncertain significance for Hyperkalemic periodic paralysis. Last evaluated: 2025-07-15. Review status: criteria provided, single submitter. Criteria: Invitae Variant Classification Sherloc (09022015). Collection method: clinical testing. Allele origin: germline.
Comment: This sequence change replaces proline, which is neutral and non-polar, with leucine, which is neutral and non-polar, at codon 1560 of the SCN4A protein (p.Pro1560Leu). This variant is present in population databases (rs753838641, gnomAD 0.007%). This missense change has been observed in individual(s) with essential tremor (PMID: 34913263). ClinVar contains an entry for this variant (Variation ID: 1300174). Invitae Evidence Modeling of protein sequence and biophysical properties (such as structural, functional, and spatial information, amino acid conservation, physicochemical variation, residue mobility, and thermodynamic stability) indicates that this missense variant is not expected to disrupt SCN4A protein function with a negative predictive value of 95%. In summary, the available evidence is currently insufficient to determine the role of this variant in disease. Therefore, it has been classified as a Variant of Uncertain Significance.

Cologne Center for Genomics, Faculty of Medicine, University of Cologne
Classification: Pathogenic for Tremor, hereditary essential, 6. Last evaluated: 2021-09-06. Review status: no assertion criteria provided. Collection method: research. Allele origin: inherited. Inheritance: Autosomal dominant inheritance. Affected: yes. Observed: 1 heterozygote. Not counted in ClinVar's aggregate classification.
Comment: Variant is co-segregating with congenital essential tremor in four affected members of a Kurdish family

Literature cited by the submitters: PubMed 34913263 (cited by Labcorp Genetics (formerly Invitae), Labcorp).

NM_000334.4(SCN4A):c.4679C>T (p.Pro1560Leu)

Genes: GH-LCR (growth hormone locus control region; plus strand), SCN4A (sodium voltage-gated channel alpha subunit 4; minus strand). Cytogenetic location: 17q23.3.
Variant type: single nucleotide variant.
Coding change: c.4679C>T on transcript NM_000334.4 (MANE Select); coding-DNA position 4679, C replaced by T.
Protein change: p.Pro1560Leu; replaces proline 1560 with leucine.
Molecular consequence: missense variant.
Genome position (GRCh38, 1-based): chr17:63,941,603, G>A on the plus strand (C>T on the coding strand, the complement: SCN4A is on the minus strand). VCF-style: chr17-63941603-G-A. GRCh37 (hg19) VCF-style: chr17-62018963-G-A.
Other names: Na(V)1.4; short protein forms P1560L.
Identifiers: ClinVar variation 1300174 (VCV001300174.6), dbSNP rs753838641, ClinGen allele CA8708918.
Genomic context (GRCh38, chr17:63,941,603, plus strand): 5'-CTGCAGAAGAAGCAGATGCCGATGGAGGGGTTGCCGCAGTCACCCTTGACACTGGTGCCC[G>A]GGTTCTCCAGGTTGGGGTCACAGTCTGGGGGCCCGCTGTTGAGGATGGGGTTGAGGAGCC-3'
Protein context (NP_000325.4, residues 1550-1570): PPDCDPNLEN[Pro1560Leu]GTSVKGDCGN